The following is an entry in ClinVar:

NM_007056.3(CLASRP):c.864-3T>C

Gene: CLASRP (CLK4 associating serine/arginine rich protein; plus strand). Cytogenetic location: 19q13.32.
Variant type: single nucleotide variant.
Coding change: c.864-3T>C on transcript NM_007056.3 (MANE Select); 3 bases into the intron before coding-DNA position 864, T replaced by C.
Molecular consequence: intron variant.
Genome position (GRCh38, 1-based): chr19:45,062,151, T>C. VCF-style: chr19-45062151-T-C. GRCh37 (hg19) VCF-style: chr19-45565409-T-C.
Other names: c.678-3T>C (NM_001278439.2).
Identifiers: ClinVar variation 2650093 (VCV002650093.24), dbSNP rs186242903, ClinGen allele CA9508264.

ClinVar aggregate classification (germline): Likely benign (1 of 4 stars; one submission).

Allele frequency attached by ClinVar (database versions not stated): ExAC 0.00104; ESP Exome Variant Server 0.00115; 1000 Genomes Project 0.00140; gnomAD exomes 0.00140; gnomAD 0.00158; 1000 Genomes Project 30x 0.00187; TOPMed 0.00209.
gnomAD v4.1: 2,157 of 1,521,030 alleles (0.14%); highest among the groups gnomAD compares: Admixed American, 0.4%; 2 homozygotes.

Submission:

CeGaT Center for Human Genetics Tuebingen
Classification: Likely benign. Last evaluated: 2023-10-01. Review status: criteria provided, single submitter. Criteria: CeGaT Center For Human Genetics Tuebingen Variant Classification Criteria Version 2. Collection method: clinical testing. Allele origin: germline. Affected: yes. Observed: 1 variant allele.
Comment: CLASRP: BP4, BS2